The following is an entry in ClinVar:

NM_016239.4(MYO15A):c.1913G>A (p.Ser638Asn)

Gene: MYO15A (myosin XVA; plus strand). Cytogenetic location: 17p11.2.
Variant type: single nucleotide variant.
Coding change: c.1913G>A on transcript NM_016239.4 (MANE Select); coding-DNA position 1913, G replaced by A.
Protein change: p.Ser638Asn; replaces serine 638 with asparagine.
Molecular consequence: missense variant.
Genome position (GRCh38, 1-based): chr17:18,120,713, G>A. VCF-style: chr17-18120713-G-A. GRCh37 (hg19) VCF-style: chr17-18024027-G-A.
Other names: short protein forms S638N.
Identifiers: ClinVar variation 1704898 (VCV001704898.2), dbSNP rs1210639569, ClinGen allele CA398580350.

ClinVar aggregate classification (germline): Uncertain significance (1 of 4 stars; one submission).

Allele frequency attached by ClinVar (database versions not stated): gnomAD exomes below 0.00001; gnomAD 0.00001; TOPMed 0.00005.

Submission:

GeneDx
Classification: Uncertain significance. Last evaluated: 2022-03-07. Review status: criteria provided, single submitter. Criteria: GeneDx Variant Classification Process June 2021. Collection method: clinical testing. Allele origin: germline. Affected: yes.
Comment: In silico analysis supports that this missense variant does not alter protein structure/function; Has not been previously published as pathogenic or benign to our knowledge